The following is an entry in ClinVar:

ClinVar aggregate classification (germline): Uncertain significance (1 of 4 stars; one submission).

Allele frequency attached by ClinVar (database versions not stated): gnomAD 0.00005; TOPMed 0.00005; ExAC 0.00006; ESP Exome Variant Server 0.00008; gnomAD exomes 0.00015.
gnomAD v4.1: 218 of 1,613,878 alleles (0.014%); highest among the groups gnomAD compares: Non-Finnish European, 0.018%; no homozygotes.

Submission:

Labcorp Genetics (formerly Invitae), Labcorp
Classification: Uncertain significance. Last evaluated: 2024-08-28. Review status: criteria provided, single submitter. Criteria: Invitae Variant Classification Sherloc (09022015). Collection method: clinical testing. Allele origin: germline.
Comment: This sequence change affects codon 397 of the NOTCH3 mRNA. It is a 'silent' change, meaning that it does not change the encoded amino acid sequence of the NOTCH3 protein. It affects a nucleotide within the consensus splice site. This variant is present in population databases (rs144214159, gnomAD 0.01%). This variant has not been reported in the literature in individuals affected with NOTCH3-related conditions. ClinVar contains an entry for this variant (Variation ID: 2031029). Algorithms developed to predict the effect of sequence changes on RNA splicing suggest that this variant is not likely to affect RNA splicing. In summary, the available evidence is currently insufficient to determine the role of this variant in disease. Therefore, it has been classified as a Variant of Uncertain Significance.

NM_000435.3(NOTCH3):c.1191C>T (p.Ile397=)

Gene: NOTCH3 (notch receptor 3; minus strand). Cytogenetic location: 19p13.12.
Variant type: single nucleotide variant.
Coding change: c.1191C>T on transcript NM_000435.3 (MANE Select); coding-DNA position 1191, C replaced by T.
Protein change: p.Ile397=; no amino-acid change (isoleucine 397 retained).
Molecular consequence: synonymous variant.
Genome position (GRCh38, 1-based): chr19:15,189,274, G>A on the plus strand (C>T on the coding strand, the complement: NOTCH3 is on the minus strand). VCF-style: chr19-15189274-G-A. GRCh37 (hg19) VCF-style: chr19-15300085-G-A.
Identifiers: ClinVar variation 2031029 (VCV002031029.4), dbSNP rs144214159, ClinGen allele CA9263699.